The following is an entry in ClinVar:

NM_001348323.3(TRIP12):c.2252G>C (p.Cys751Ser)

Gene: TRIP12 (thyroid hormone receptor interactor 12; minus strand). Cytogenetic location: 2q36.3.
Variant type: single nucleotide variant.
Coding change: c.2252G>C on transcript NM_001348323.3 (MANE Select); coding-DNA position 2252, G replaced by C.
Protein change: p.Cys751Ser; replaces cysteine 751 with serine.
Molecular consequence: missense variant.
Genome position (GRCh38, 1-based): chr2:229,808,339, C>G on the plus strand (G>C on the coding strand, the complement: TRIP12 is on the minus strand). VCF-style: chr2-229808339-C-G. GRCh37 (hg19) VCF-style: chr2-230673055-C-G.
Other names: c.2252G>C, p.Cys751Ser (NM_001284214.2, NM_001348315.2, NM_001348319.1 and 11 more transcripts); c.2126G>C, p.Cys709Ser (NM_001284215.2, NM_001348316.2, NM_001348317.1 and 2 more transcripts); c.1217G>C, p.Cys406Ser (NM_001284216.2); c.2165G>C, p.Cys722Ser (NM_001348332.1); c.2108G>C, p.Cys703Ser (NM_004238.3); short protein forms C406S, C703S, C709S, C722S, C751S.
Identifiers: ClinVar variation 1310474 (VCV001310474.2), dbSNP rs2154276212, ClinGen allele CA350917969.

ClinVar aggregate classification (germline): Uncertain significance (1 of 4 stars; one submission).

Submission:

GeneDx
Classification: Uncertain significance. Last evaluated: 2019-11-19. Review status: criteria provided, single submitter. Criteria: GeneDx Variant Classification Process June 2021. Collection method: clinical testing. Allele origin: germline. Affected: yes.
Comment: Not observed in large population cohorts (Lek et al., 2016); In silico analysis, which includes protein predictors and evolutionary conservation, supports that this variant does not alter protein structure/function; Has not been previously published as pathogenic or benign to our knowledge